The following is an entry in ClinVar:

NM_000505.4(F12):c.577G>T (p.Glu193Ter)

Gene: F12 (coagulation factor XII; minus strand). Cytogenetic location: 5q35.3.
Variant type: single nucleotide variant.
Coding change: c.577G>T on transcript NM_000505.4 (MANE Select); coding-DNA position 577, G replaced by T.
Protein change: p.Glu193Ter; replaces glutamic acid 193 with a stop codon.
Molecular consequence: nonsense.
Genome position (GRCh38, 1-based): chr5:177,404,867, C>A on the plus strand (G>T on the coding strand, the complement: F12 is on the minus strand). VCF-style: chr5-177404867-C-A. GRCh37 (hg19) VCF-style: chr5-176831868-C-A.
Other names: short protein forms E193*.
Identifiers: ClinVar variation 2130288 (VCV002130288.7), dbSNP rs1763248340, ClinGen allele CA362329872.
Genomic context (GRCh38, chr5:177,404,867, plus strand): 5'-CACCCACGTCGCAGAAGGCTCCGGTGTAGCCCACCGGGCAGTGGCACAGGCGGTGGCCCT[C>A]CACCTCTAGGCAGCGACCCCCATGGAGGCACGGGTTGGTGCGGCAGGCTTGGGGAGGGAA-3'

ClinVar aggregate classification (germline): Pathogenic/Likely pathogenic. Review status: criteria provided, multiple submitters, no conflicts (2 of 4 stars). 2 submissions from 2 submitters: Pathogenic (1); Likely pathogenic (1). Last evaluated 2022-06-01.

Allele frequency attached by ClinVar (database versions not stated): TOPMed below 0.00001.

Submissions (2):

Labcorp Genetics (formerly Invitae), Labcorp
Classification: Pathogenic. Last evaluated: 2022-06-01. Review status: criteria provided, single submitter. Criteria: Invitae Variant Classification Sherloc (09022015). Collection method: clinical testing. Allele origin: germline.
Comment: This sequence change creates a premature translational stop signal (p.Glu193*) in the F12 gene. It is expected to result in an absent or disrupted protein product. Loss-of-function variants in F12 are known to be pathogenic (PMID: 9354665, 20386432, 26105808). This variant is not present in population databases (gnomAD no frequency). This variant has not been reported in the literature in individuals affected with F12-related conditions. For these reasons, this variant has been classified as Pathogenic.

Revvity Omics, Revvity
Classification: Likely pathogenic. Last evaluated: 2022-01-27. Review status: criteria provided, single submitter. Criteria: ACMG Guidelines, 2015. Collection method: clinical testing. Allele origin: germline.

Literature cited by the submitters: PubMed 9354665 (cited by Labcorp Genetics (formerly Invitae), Labcorp); PubMed 20386432 (cited by Labcorp Genetics (formerly Invitae), Labcorp); PubMed 26105808 (cited by Labcorp Genetics (formerly Invitae), Labcorp).